The following is an entry in ClinVar:

NM_004655.4(AXIN2):c.928G>C (p.Asp310His)

Gene: AXIN2 (axin 2; minus strand). Cytogenetic location: 17q24.1.
Variant type: single nucleotide variant.
Coding change: c.928G>C on transcript NM_004655.4 (MANE Select); coding-DNA position 928, G replaced by C.
Protein change: p.Asp310His; replaces aspartic acid 310 with histidine.
Molecular consequence: missense variant.
Genome position (GRCh38, 1-based): chr17:65,549,548, C>G on the plus strand (G>C on the coding strand, the complement: AXIN2 is on the minus strand). VCF-style: chr17-65549548-C-G. GRCh37 (hg19) VCF-style: chr17-63545666-C-G.
Other names: c.928G>C, p.Asp310His (NM_001363813.1); short protein forms D310H.
Identifiers: ClinVar variation 2005692 (VCV002005692.4), dbSNP rs2144538033, ClinGen allele CA400679479.

ClinVar aggregate classification (germline): Uncertain significance (1 of 4 stars; one submission).

Conditions:
Oligodontia-cancer predisposition syndrome. Also called: TOOTH AGENESIS-COLORECTAL CANCER SYNDROME. Identifiers: Orphanet 300576, MedGen C1837750, MONDO:0012075, OMIM 608615. Disease mechanism: loss of function.

Submission:

Labcorp Genetics (formerly Invitae), Labcorp
Classification: Uncertain significance for Oligodontia-cancer predisposition syndrome. Last evaluated: 2022-06-14. Review status: criteria provided, single submitter. Criteria: Invitae Variant Classification Sherloc (09022015). Collection method: clinical testing. Allele origin: germline.
Comment: This variant is not present in population databases (gnomAD no frequency). This sequence change replaces aspartic acid, which is acidic and polar, with histidine, which is basic and polar, at codon 310 of the AXIN2 protein (p.Asp310His). This variant has not been reported in the literature in individuals affected with AXIN2-related conditions. Algorithms developed to predict the effect of missense changes on protein structure and function (SIFT, PolyPhen-2, Align-GVGD) all suggest that this variant is likely to be disruptive. In summary, the available evidence is currently insufficient to determine the role of this variant in disease. Therefore, it has been classified as a Variant of Uncertain Significance.